The following is an entry in ClinVar:

ClinVar aggregate classification (germline): Benign. Review status: criteria provided, single submitter (1 of 4 stars). 2 submissions from 2 submitters: Benign (1). 1 of the submissions does not count toward it. Last evaluated 2019-12-31.

Conditions:
DGKD-related disorder. Also called: DGKD-related condition.

Allele frequency attached by ClinVar (database versions not stated): gnomAD exomes 0.00068 and 0.00177; ExAC 0.00191; gnomAD 0.00583 and 0.00621; 1000 Genomes Project 0.00699; TOPMed 0.00708; ESP Exome Variant Server 0.00735.

Submissions (2):

Labcorp Genetics (formerly Invitae), Labcorp
Classification: Benign. Last evaluated: 2019-12-31. Review status: criteria provided, single submitter. Criteria: Invitae Variant Classification Sherloc (09022015). Collection method: clinical testing. Allele origin: germline.

PreventionGenetics, part of Exact Sciences
Classification: Benign for DGKD-related condition. Last evaluated: 2019-08-12. Review status: no assertion criteria provided. Collection method: clinical testing. Allele origin: germline. Not counted in ClinVar's aggregate classification.
Comment: This variant is classified as benign based on ACMG/AMP sequence variant interpretation guidelines (Richards et al. 2015 PMID: 25741868, with internal and published modifications).

NM_152879.3(DGKD):c.2039-4dup

Gene: DGKD (diacylglycerol kinase delta; plus strand). Cytogenetic location: 2q37.1.
Variant type: Duplication.
Coding change: c.2039-4dup on transcript NM_152879.3 (MANE Select); 4 bases into the intron before coding-DNA position 2039, one base duplicated (A; older notation c.2039-4dupA).
Molecular consequence: intron variant.
Genome position (GRCh38, 1-based): chr2:233,450,918, A duplicated. VCF-style (leftmost placement, unchanged base first): chr2-233450917-T-TA. GRCh37 (hg19) VCF-style: chr2-234359563-T-TA.
Other names: c.1907-4dup (NM_003648.3); c.2039-4dup (NM_152879.2).
Identifiers: ClinVar variation 711355 (VCV000711355.6), dbSNP rs149649324, ClinGen allele CA2175473.